The following is an entry in ClinVar:

NM_007194.4(CHEK2):c.1170C>A (p.Tyr390Ter)

Gene: CHEK2 (checkpoint kinase 2; minus strand). Cytogenetic location: 22q12.1.
Variant type: single nucleotide variant.
Coding change: c.1170C>A on transcript NM_007194.4 (MANE Select); coding-DNA position 1170, C replaced by A.
Protein change: p.Tyr390Ter; replaces tyrosine 390 with a stop codon.
Molecular consequence: nonsense.
Genome position (GRCh38, 1-based): chr22:28,695,799, G>T on the plus strand (C>A on the coding strand, the complement: CHEK2 is on the minus strand). VCF-style: chr22-28695799-G-T. GRCh37 (hg19) VCF-style: chr22-29091787-G-T.
Other names: c.1299C>A, p.Tyr433Ter (NM_001005735.3); c.507C>A, p.Tyr169Ter (NM_001257387.3); c.969C>A, p.Tyr323Ter (NM_001349956.3); c.1083C>A, p.Tyr361Ter (NM_145862.3); short protein forms Y390*, Y169*, Y361*, Y323*, Y433*.
Identifiers: ClinVar variation 265567 (VCV000265567.9), dbSNP rs886039631, ClinGen allele CA10588718.

ClinVar aggregate classification (germline): Pathogenic/Likely pathogenic. Review status: criteria provided, multiple submitters, no conflicts (2 of 4 stars). 6 submissions from 6 submitters: Pathogenic (5); Likely pathogenic (1). Last evaluated 2025-05-25.

Conditions:
Hereditary nonpolyposis colon cancer (HNPCC). Also called: Hereditary nonpolyposis colorectal cancer; Familial nonpolyposis colon cancer; Hereditary Nonpolyposis Colorectal Cancer Syndrome. Identifiers: Orphanet 443909, MedGen C1333990, MONDO:0018630. Disease mechanism: loss of function.
Familial cancer of breast. Also called: hereditary breast carcinoma; BREAST CANCER, FAMILIAL; Hereditary breast cancer. Identifiers: Orphanet 227535, MedGen C0346153, MONDO:0016419, OMIM 114480. Disease mechanism: loss of function.
Hereditary cancer-predisposing syndrome. Also called: Neoplastic Syndromes, Hereditary; Hereditary neoplastic syndrome; Hereditary Cancer Syndrome; Tumor predisposition. Identifiers: Orphanet 140162, MedGen C0027672, MeSH D009386, MONDO:0015356.

Allele frequency attached by ClinVar (database versions not stated): gnomAD exomes below 0.00001.
gnomAD v4.1: 2 of 1,613,918 alleles (0.00012%); highest among the groups gnomAD compares: Non-Finnish European, 0.00017%; no homozygotes.

Submissions (6):

Labcorp Genetics (formerly Invitae), Labcorp
Classification: Pathogenic for Familial cancer of breast. Last evaluated: 2025-05-25. Review status: criteria provided, single submitter. Criteria: Invitae Variant Classification Sherloc (09022015). Collection method: clinical testing. Allele origin: germline.
Comment: This sequence change creates a premature translational stop signal (p.Tyr390*) in the CHEK2 gene. It is expected to result in an absent or disrupted protein product. Loss-of-function variants in CHEK2 are known to be pathogenic (PMID: 21876083, 24713400). This variant is not present in population databases (gnomAD no frequency). This premature translational stop signal has been observed in individual(s) with breast cancer (PMID: 28779002). ClinVar contains an entry for this variant (Variation ID: 265567). Algorithms developed to predict the effect of sequence changes on RNA splicing suggest that this variant may disrupt the consensus splice site. For these reasons, this variant has been classified as Pathogenic.

Baylor Genetics
Classification: Pathogenic for Familial cancer of breast. Last evaluated: 2023-08-05. Review status: criteria provided, single submitter. Criteria: ACMG Guidelines, 2015. Collection method: clinical testing. Allele origin: unknown.

Myriad Genetics, Inc.
Classification: Pathogenic for Familial cancer of breast. Last evaluated: 2023-06-28. Review status: criteria provided, single submitter. Criteria: Myriad Autosomal Dominant, Autosomal Recessive and X-Linked Classification Criteria (2023). Collection method: clinical testing. Allele origin: unknown.
Comment: This variant is considered pathogenic. This variant creates a termination codon and is predicted to result in premature protein truncation.

Ambry Genetics
Classification: Pathogenic for Hereditary cancer-predisposing syndrome. Last evaluated: 2022-10-24. Review status: criteria provided, single submitter. Criteria: Ambry Variant Classification Scheme 2023. Collection method: clinical testing. Allele origin: germline.
Comment: The p.Y390* pathogenic mutation (also known as c.1170C>A), located in coding exon 10 of the CHEK2 gene, results from a C to A substitution at nucleotide position 1170. This changes the amino acid from a tyrosine to a stop codon within coding exon 10. This variant is considered to be rare based on population cohorts in the Genome Aggregation Database (gnomAD). This alteration is expected to result in loss of function by premature protein truncation or nonsense-mediated mRNA decay. As such, this alteration is interpreted as a disease-causing mutation.

Department of Pathology and Laboratory Medicine, Sinai Health System
Classification: Pathogenic for hereditary nonpolyposis colon cancer. Last evaluated: 2022-01-25. Review status: criteria provided, single submitter. Criteria: ACMG Guidelines, 2015. Collection method: clinical testing. Allele origin: germline. Affected: no.

GeneDx
Classification: Likely pathogenic. Last evaluated: 2016-04-19. Review status: criteria provided, single submitter. Criteria: GeneDx Variant Classification (06012015). Collection method: clinical testing. Allele origin: germline. Affected: yes.
Comment: This variant is denoted CHEK2 c.1170C>A at the cDNA level and p.Tyr390Ter (Y390X) at the protein level. The substitution creates a nonsense variant, which changes a Tyrosine to a premature stop codon (TAC>TAA), and is predicted to cause loss of normal protein function through either protein truncation or nonsense-mediated mRNA decay. Although this variant has not, to our knowledge, been reported in the literature, it is considered likely pathogenic.

Literature cited by the submitters: PubMed 21876083 (cited by Labcorp Genetics (formerly Invitae), Labcorp); PubMed 24713400 (cited by Labcorp Genetics (formerly Invitae), Labcorp); PubMed 28779002 (cited by Labcorp Genetics (formerly Invitae), Labcorp).